The following is an entry in ClinVar:

ClinVar aggregate classification (germline): Pathogenic (1 of 4 stars; one submission).

Conditions:
Neurofibromatosis, type 2 (SWNV). Also called: BILATERAL ACOUSTIC NEUROFIBROMATOSIS; NF2-Related Schwannomatosis; SCHWANNOMATOSIS, VESTIBULAR. Identifiers: Orphanet 637, MedGen C0027832, MONDO:0007039, OMIM 101000. Disease mechanism: loss of function.

Submission:

Labcorp Genetics (formerly Invitae), Labcorp
Classification: Pathogenic for Neurofibromatosis, type 2. Last evaluated: 2023-05-18. Review status: criteria provided, single submitter. Criteria: Invitae Variant Classification Sherloc (09022015). Collection method: clinical testing. Allele origin: germline.
Comment: Algorithms developed to predict the effect of sequence changes on RNA splicing suggest that this variant may disrupt the consensus splice site. For these reasons, this variant has been classified as Pathogenic. This variant has not been reported in the literature in individuals affected with NF2-related conditions. This variant is not present in population databases (gnomAD no frequency). This sequence change creates a premature translational stop signal (p.Lys40*) in the NF2 gene. It is expected to result in an absent or disrupted protein product. Loss-of-function variants in NF2 are known to be pathogenic (PMID: 9643284, 16983642).

Literature cited by the submitters: PubMed 9643284; PubMed 16983642.

NM_000268.4(NF2):c.118A>T (p.Lys40Ter)

Gene: NF2 (NF2, moesin-ezrin-radixin like (MERLIN) tumor suppressor; plus strand). Cytogenetic location: 22q12.2.
Variant type: single nucleotide variant.
Coding change: c.118A>T on transcript NM_000268.4 (MANE Select); coding-DNA position 118, A replaced by T.
Protein change: p.Lys40Ter; replaces lysine 40 with a stop codon.
Molecular consequence: nonsense. On other transcripts: 5 prime UTR variant (2), intron variant (6).
Genome position (GRCh38, 1-based): chr22:29,636,754, A>T. VCF-style: chr22-29636754-A-T. GRCh37 (hg19) VCF-style: chr22-30032743-A-T.
Other names: c.4A>T, p.Lys2Ter (NM_001407053.1, NM_001407056.1); c.118A>T, p.Lys40Ter (NM_001407054.1, NM_001407057.1, NM_001407058.1 and 9 more transcripts); c.-523A>T (NM_001407065.1); c.-139A>T (NM_001407067.1); c.115-2336A>T (NM_181828.3, NM_001407055.1); c.115-5448A>T (NM_001407063.1, NM_181830.3, NM_001407064.1 and 1 more transcripts); short protein forms K40*, K2*.
Identifiers: ClinVar variation 2865333 (VCV002865333.3), dbSNP rs2146851519, ClinGen allele CA411152414.